The following is an entry in ClinVar:

NM_001429.4(EP300):c.424G>A (p.Gly142Arg)

Gene: EP300 (E1A binding protein p300; plus strand). Cytogenetic location: 22q13.2.
Variant type: single nucleotide variant.
Coding change: c.424G>A on transcript NM_001429.4 (MANE Select); coding-DNA position 424, G replaced by A.
Protein change: p.Gly142Arg; replaces glycine 142 with arginine.
Molecular consequence: missense variant.
Genome position (GRCh38, 1-based): chr22:41,117,516, G>A. VCF-style: chr22-41117516-G-A. GRCh37 (hg19) VCF-style: chr22-41513520-G-A.
Other names: c.424G>A, p.Gly142Arg (NM_001362843.2); short protein forms G142R.
Identifiers: ClinVar variation 3357679 (VCV003357679.1).

ClinVar aggregate classification (germline): Uncertain significance (0 of 4 stars; one submission).

Conditions:
EP300-related disorder. Also called: EP300-related disorders; EP300-related condition.

gnomAD v4.1: 1 of 1,613,896 alleles (0.000062%); highest among the groups gnomAD compares: South Asian, 0.0011%; no homozygotes.

Submission:

PreventionGenetics, part of Exact Sciences
Classification: Uncertain significance for EP300-related condition. Last evaluated: 2024-03-05. Review status: no assertion criteria provided. Collection method: clinical testing. Allele origin: germline.
Comment: The EP300 c.424G>A variant is predicted to result in the amino acid substitution p.Gly142Arg. To our knowledge, this variant has not been reported in the literature or in a large population database, indicating this variant is rare. At this time, the clinical significance of this variant is uncertain due to the absence of conclusive functional and genetic evidence.